The following is an entry in ClinVar:

ClinVar aggregate classification (germline): Likely benign. Review status: criteria provided, multiple submitters, no conflicts (2 of 4 stars). 2 submissions from 2 submitters: Likely benign (2). Last evaluated 2026-03-19.

Conditions:
LOXL3-related disorder. Also called: LOXL3-related condition.

Allele frequency attached by ClinVar (database versions not stated): ExAC 0.00028; TOPMed 0.00002; gnomAD 0.00003; 1000 Genomes Project 0.00020; 1000 Genomes Project 30x 0.00016; gnomAD exomes 0.00011.
gnomAD v4.1: 190 of 1,613,006 alleles (0.012%); highest among the groups gnomAD compares: South Asian, 0.16%; 2 homozygotes.

Submissions (2):

PreventionGenetics, part of Exact Sciences
Classification: Likely benign for LOXL3-related condition. Last evaluated: 2026-03-19. Review status: criteria provided, single submitter. Criteria: ACMG Guidelines, 2015. Collection method: clinical testing. Allele origin: germline.
Comment: This variant is classified as likely benign based on ACMG/AMP sequence variant interpretation guidelines (Richards et al. 2015 PMID: 25741868, with internal and published modifications).

Labcorp Genetics (formerly Invitae), Labcorp
Classification: Likely benign. Last evaluated: 2025-12-15. Review status: criteria provided, single submitter. Criteria: Invitae Variant Classification Sherloc (09022015). Collection method: clinical testing. Allele origin: germline.

NM_032603.5(LOXL3):c.251G>A (p.Arg84Gln)

Genes: DOK1 (docking protein 1; plus strand), LOXL3 (lysyl oxidase like 3; minus strand). Cytogenetic location: 2p13.1.
Variant type: single nucleotide variant.
Coding change: c.251G>A on transcript NM_032603.5 (MANE Select); coding-DNA position 251, G replaced by A.
Protein change: p.Arg84Gln; replaces arginine 84 with glutamine.
Molecular consequence: missense variant. On other transcripts: intron variant (1).
Genome position (GRCh38, 1-based): chr2:74,552,384, C>T on the plus strand (G>A on the coding strand, the complement: LOXL3 is on the minus strand). VCF-style: chr2-74552384-C-T. GRCh37 (hg19) VCF-style: chr2-74779511-C-T.
Other names: c.251G>A, p.Arg84Gln (NM_001289164.3); c.-357-2770C>T (NM_001197260.2); short protein forms R84Q.
Identifiers: ClinVar variation 2195918 (VCV002195918.4), dbSNP rs372708796, ClinGen allele CA1729233.
Genomic context (GRCh38, chr2:74,552,384, plus strand): 5'-GTTCCAGGGCCATATTTGGCACTGTGGGTCCAGCCTGTGGCCTCTGTGAAGCCCAGCTCC[C>T]GGCAGAGGATGTGGGCAGCCTGCAGCGTGAAGTCATCATCGCAGATGGTGCCCCATTCAC-3'
Protein context (NP_115992.1, residues 74-94): FTLQAAHILC[Arg84Gln]ELGFTEATGW